The following is an entry in ClinVar:

NM_000238.4(KCNH2):c.1805T>C (p.Leu602Pro)

Gene: KCNH2 (potassium voltage-gated channel subfamily H member 2; minus strand). Cytogenetic location: 7q36.1.
Variant type: single nucleotide variant.
Coding change: c.1805T>C on transcript NM_000238.4 (MANE Select); coding-DNA position 1805, T replaced by C.
Protein change: p.Leu602Pro; replaces leucine 602 with proline.
Molecular consequence: missense variant.
Genome position (GRCh38, 1-based): chr7:150,951,588, A>G on the plus strand (T>C on the coding strand, the complement: KCNH2 is on the minus strand). VCF-style: chr7-150951588-A-G. GRCh37 (hg19) VCF-style: chr7-150648676-A-G.
Other names: c.785T>C, p.Leu262Pro (NM_001204798.2, NM_172057.3); c.1517T>C, p.Leu506Pro (NM_001406753.1, NM_001406756.1); c.1628T>C, p.Leu543Pro (NM_001406755.1); c.1505T>C, p.Leu502Pro (NM_001406757.1); c.1805T>C, p.Leu602Pro (NM_172056.3); short protein forms L262P, L602P, L502P, L506P, L543P.
Identifiers: ClinVar variation 234996 (VCV000234996.20), dbSNP rs876661348, ClinGen allele CA10581151.

ClinVar aggregate classification (germline): Conflicting classifications of pathogenicity. Review status: criteria provided, conflicting classifications (1 of 4 stars). 4 submissions from 4 submitters: Likely pathogenic (1); Uncertain significance (3). Last evaluated 2025-12-22.

Conditions:
Cardiovascular phenotype. Identifiers: MedGen CN230736.
Long QT syndrome (LQTS). Identifiers: MedGen C0023976, MeSH D008133, MONDO:0002442. Disease mechanism: loss of function. Inheritance: Various modes of inheritance.

Submissions (4):

Labcorp Genetics (formerly Invitae), Labcorp
Classification: Likely pathogenic for Long QT syndrome. Last evaluated: 2025-12-22. Review status: criteria provided, single submitter. Criteria: Invitae Variant Classification Sherloc (09022015). Collection method: clinical testing. Allele origin: germline.
Comment: This sequence change replaces leucine, which is neutral and non-polar, with proline, which is neutral and non-polar, at codon 602 of the KCNH2 protein (p.Leu602Pro). This variant is not present in population databases (gnomAD no frequency). This missense change has been observed in individuals with long QT syndrome (PMID: 26066609; internal data). ClinVar contains an entry for this variant (Variation ID: 234996). An algorithm developed to predict the effect of missense changes on protein structure and function (PolyPhen-2) suggests that this variant is likely to be tolerated. In summary, the currently available evidence indicates that the variant is pathogenic, but additional data are needed to prove that conclusively. Therefore, this variant has been classified as Likely Pathogenic.

Ambry Genetics
Classification: Uncertain significance for Cardiovascular phenotype. Last evaluated: 2024-03-19. Review status: criteria provided, single submitter. Criteria: Ambry Variant Classification Scheme 2023. Collection method: clinical testing. Allele origin: germline.
Comment: The p.L602P variant (also known as c.1805T>C), located in coding exon 7 of the KCNH2 gene, results from a T to C substitution at nucleotide position 1805. The leucine at codon 602 is replaced by proline, an amino acid with similar properties, and is located in the transmembrane-spanning S5/pore region. This alteration has been detected in an individual reported to have QT syndrome (LQTS); however, clinical details were limited (Steffensen AB et al. Sci Rep. 2015;5:10009). This amino acid position is not well conserved in available vertebrate species, and proline is the reference amino acid in other vertebrate species. In addition, the in silico prediction for this alteration is inconclusive. Since supporting evidence is limited at this time, the clinical significance of this alteration remains unclear.

GeneDx
Classification: Uncertain significance. Last evaluated: 2024-02-08. Review status: criteria provided, single submitter. Criteria: GeneDx Variant Classification Process June 2021. Collection method: clinical testing. Allele origin: germline. Affected: yes.
Comment: Not observed at significant frequency in large population cohorts (gnomAD); In silico analysis supports that this missense variant does not alter protein structure/function; This variant is associated with the following publications: (PMID: 19841300, 36480497, 26066609)

Stanford Center for Inherited Cardiovascular Disease, Stanford University
Classification: Uncertain significance. Last evaluated: 2013-12-31. Review status: criteria provided, single submitter. Criteria: ACMG Guidelines, 2015. Collection method: provider interpretation. Allele origin: germline.

Literature cited by the submitters: PubMed 26066609 (cited by Labcorp Genetics (formerly Invitae), Labcorp and Ambry Genetics).